The following is an entry in ClinVar:

NM_001130009.3(GEN1):c.1042T>C (p.Tyr348His)

Gene: GEN1 (GEN1 Holliday junction 5' flap endonuclease; plus strand). Cytogenetic location: 2p24.2.
Variant type: single nucleotide variant.
Coding change: c.1042T>C on transcript NM_001130009.3 (MANE Select); coding-DNA position 1042, T replaced by C.
Protein change: p.Tyr348His; replaces tyrosine 348 with histidine.
Molecular consequence: missense variant.
Genome position (GRCh38, 1-based): chr2:17,773,270, T>C. VCF-style: chr2-17773270-T-C. GRCh37 (hg19) VCF-style: chr2-17954537-T-C.
Other names: c.1042T>C, p.Tyr348His (NM_182625.5); short protein forms Y348H.
Identifiers: ClinVar variation 3853466 (VCV003853466.1).

ClinVar aggregate classification (germline): Uncertain significance (1 of 4 stars; one submission).

gnomAD v4.1: 2 of 1,599,340 alleles (0.00013%); highest among the groups gnomAD compares: Non-Finnish European, 0.00017%; no homozygotes.

Submission:

Ambry Genetics
Classification: Uncertain significance. Last evaluated: 2024-12-28. Review status: criteria provided, single submitter. Criteria: Ambry Variant Classification Scheme 2023. Collection method: clinical testing. Allele origin: germline.
Comment: The p.Y348H variant (also known as c.1042T>C), located in coding exon 9 of the GEN1 gene, results from a T to C substitution at nucleotide position 1042. The tyrosine at codon 348 is replaced by histidine, an amino acid with similar properties. This amino acid position is conserved. In addition, this alteration is predicted to be tolerated by in silico analysis. Based on the available evidence, the clinical significance of this variant remains unclear.